The following is an entry in ClinVar:

NM_001134831.2(AHI1):c.2037-8T>G

Gene: AHI1 (Abelson helper integration site 1; minus strand). Cytogenetic location: 6q23.3.
Variant type: single nucleotide variant.
Coding change: c.2037-8T>G on transcript NM_001134831.2 (MANE Select); 8 bases into the intron before coding-DNA position 2037, T replaced by G.
Molecular consequence: intron variant.
Genome position (GRCh38, 1-based): chr6:135,433,264, A>C on the plus strand (T>G on the coding strand, the complement: AHI1 is on the minus strand). VCF-style: chr6-135433264-A-C. GRCh37 (hg19) VCF-style: chr6-135754402-A-C.
Other names: c.2037-8T>G (NM_001134830.2, NM_001350503.2, NM_017651.5 and 2 more transcripts).
Identifiers: ClinVar variation 2131632 (VCV002131632.4), dbSNP rs1235299334, ClinGen allele CA2580075076.

ClinVar aggregate classification (germline): Uncertain significance (1 of 4 stars; one submission).

Conditions:
Joubert syndrome. Also called: CEREBELLOPARENCHYMAL DISORDER IV; JOUBERT-BOLTSHAUSER SYNDROME; Familial aplasia of the vermis. Identifiers: Orphanet 475, MedGen C5979921, MONDO:0018772.

Submission:

Labcorp Genetics (formerly Invitae), Labcorp
Classification: Uncertain significance for Joubert syndrome. Last evaluated: 2022-08-23. Review status: criteria provided, single submitter. Criteria: Invitae Variant Classification Sherloc (09022015). Collection method: clinical testing. Allele origin: germline.
Comment: In summary, the available evidence is currently insufficient to determine the role of this variant in disease. Therefore, it has been classified as a Variant of Uncertain Significance. Algorithms developed to predict the effect of sequence changes on RNA splicing suggest that this variant may disrupt the consensus splice site. This variant has not been reported in the literature in individuals affected with AHI1-related conditions. This variant is not present in population databases (gnomAD no frequency). This sequence change falls in intron 14 of the AHI1 gene. It does not directly change the encoded amino acid sequence of the AHI1 protein.